The following is an entry in ClinVar:

ClinVar aggregate classification (germline): Uncertain significance (1 of 4 stars; one submission).

Conditions:
Cardiovascular phenotype. Identifiers: MedGen CN230736.
Hereditary cancer-predisposing syndrome. Also called: Neoplastic Syndromes, Hereditary; Tumor predisposition; Hereditary Cancer Syndrome; Hereditary neoplastic syndrome. Identifiers: Orphanet 140162, MedGen C0027672, MeSH D009386, MONDO:0015356.

Submission:

Ambry Genetics
Classification: Uncertain significance for Cardiovascular phenotype; Hereditary cancer-predisposing syndrome. Last evaluated: 2025-10-01. Review status: criteria provided, single submitter. Criteria: Ambry Variant Classification Scheme 2023. Collection method: clinical testing. Allele origin: germline.
Comment: The p.N359H variant (also known as c.1075A>C), located in coding exon 10 of the NF1 gene, results from an A to C substitution at nucleotide position 1075. The asparagine at codon 359 is replaced by histidine, an amino acid with similar properties. This amino acid position is conserved. In addition, this alteration is predicted to be tolerated by in silico analysis. Based on the available evidence, the clinical significance of this variant remains unclear.

NM_001042492.3(NF1):c.1075A>C (p.Asn359His)

Gene: NF1 (neurofibromin 1; plus strand). Cytogenetic location: 17q11.2.
Variant type: single nucleotide variant.
Coding change: c.1075A>C on transcript NM_001042492.3 (MANE Select); coding-DNA position 1075, A replaced by C.
Protein change: p.Asn359His; replaces asparagine 359 with histidine.
Molecular consequence: missense variant.
Genome position (GRCh38, 1-based): chr17:31,201,049, A>C. VCF-style: chr17-31201049-A-C. GRCh37 (hg19) VCF-style: chr17-29528067-A-C.
Other names: c.1075A>C, p.Asn359His (NM_000267.4, NM_001128147.3); short protein forms N359H.
Identifiers: ClinVar variation 4615741 (VCV004615741.1).